The following is an entry in ClinVar:

NM_015662.3(IFT172):c.3205G>A (p.Gly1069Arg)

Gene: IFT172 (intraflagellar transport 172; minus strand). Cytogenetic location: 2p23.3.
Variant type: single nucleotide variant.
Coding change: c.3205G>A on transcript NM_015662.3 (MANE Select); coding-DNA position 3205, G replaced by A.
Protein change: p.Gly1069Arg; replaces glycine 1069 with arginine.
Molecular consequence: missense variant.
Genome position (GRCh38, 1-based): chr2:27,457,662, C>T on the plus strand (G>A on the coding strand, the complement: IFT172 is on the minus strand). VCF-style: chr2-27457662-C-T. GRCh37 (hg19) VCF-style: chr2-27680529-C-T.
Other names: short protein forms G1069R.
Identifiers: ClinVar variation 1047310 (VCV001047310.8), dbSNP rs1666267219, ClinGen allele CA346379956.

ClinVar aggregate classification (germline): Uncertain significance (1 of 4 stars; one submission).

Conditions:
Short-rib thoracic dysplasia 10 with or without polydactyly (SRTD10). Identifiers: Orphanet 474, MedGen C3810175, MONDO:0014284, OMIM 615630.
Retinitis pigmentosa 71 (RP71). Identifiers: Orphanet 791, MedGen C4225342, MONDO:0014618, OMIM 616394.

Submission:

Labcorp Genetics (formerly Invitae), Labcorp
Classification: Uncertain significance for Retinitis pigmentosa 71; Short-rib thoracic dysplasia 10 with or without polydactyly. Last evaluated: 2024-11-11. Review status: criteria provided, single submitter. Criteria: Invitae Variant Classification Sherloc (09022015). Collection method: clinical testing. Allele origin: germline.
Comment: This sequence change replaces glycine, which is neutral and non-polar, with arginine, which is basic and polar, at codon 1069 of the IFT172 protein (p.Gly1069Arg). This variant is not present in population databases (gnomAD no frequency). This variant has not been reported in the literature in individuals affected with IFT172-related conditions. ClinVar contains an entry for this variant (Variation ID: 1047310). Invitae Evidence Modeling of protein sequence and biophysical properties (such as structural, functional, and spatial information, amino acid conservation, physicochemical variation, residue mobility, and thermodynamic stability) indicates that this missense variant is not expected to disrupt IFT172 protein function with a negative predictive value of 95%. In summary, the available evidence is currently insufficient to determine the role of this variant in disease. Therefore, it has been classified as a Variant of Uncertain Significance.